The following is an entry in ClinVar:

ClinVar aggregate classification (germline): Pathogenic/Likely pathogenic. Review status: criteria provided, multiple submitters, no conflicts (2 of 4 stars). 20 submissions from 20 submitters: Pathogenic (14); Likely pathogenic (6). Last evaluated 2026-07-07.

Conditions:
TTN-related disorder. Also called: TTN-related disorders; TTN-related condition; TTN-related disease.
Cardiovascular phenotype. Identifiers: MedGen CN230736.
TTN-related myopathy. Identifiers: MedGen CN294812, MONDO:0100175.
Autosomal recessive limb-girdle muscular dystrophy type 2J (LGMDR10). Also called: Limb-girdle muscular dystrophy, type 2J; MUSCULAR DYSTROPHY, LIMB-GIRDLE, AUTOSOMAL RECESSIVE 10. Identifiers: Orphanet 140922, MedGen C1837342, MONDO:0012127, OMIM 608807.
Dilated cardiomyopathy 1G (CMD1G). Identifiers: Orphanet 154, MedGen C1858763, MONDO:0011400, OMIM 604145.
Neuromuscular disease. Also called: Neuromuscular disorder; Neuromyopathy. Identifiers: Orphanet 68381, MedGen C0027868, MeSH D009468, MONDO:0019056.
Hypertrophic cardiomyopathy 9. Also called: Familial hypertrophic cardiomyopathy 9. Identifiers: MedGen C1861065, MONDO:0013412, OMIM 613765.
Early-onset myopathy with fatal cardiomyopathy (CMYO5). Also called: Salih Myopathy; CONGENITAL MYOPATHY 5 WITH CARDIOMYOPATHY. Identifiers: Orphanet 289377, MedGen C2673677, MONDO:0012714, OMIM 611705. Disease mechanism: loss of function.
Myopathy, myofibrillar, 9, with early respiratory failure (MFM9). Also called: Myopathy, distal, with early respiratory failure, autosomal dominant; EDSTROM MYOPATHY; MYOPATHY, PROXIMAL, WITH EARLY RESPIRATORY MUSCLE INVOLVEMENT; Hereditary myopathy with early respiratory failure. Identifiers: Orphanet 178464, Orphanet 34521, MedGen C1863599, MONDO:0011362, OMIM 603689.
Tibial muscular dystrophy (TMD). Also called: Udd Distal Myopathy – Tibial Muscular Dystrophy; UDD MYOPATHY; Tibial muscular dystrophy, tardive. Identifiers: Orphanet 609, MedGen C1838244, MONDO:0010870, OMIM 600334.
Primary dilated cardiomyopathy (DCM). Also called: Dilated Cardiomyopathy. Identifiers: Orphanet 217604, MedGen C0007193, MeSH D002311, MONDO:0005021, HP:0001644. Inheritance: Various modes of inheritance.

Allele frequency attached by ClinVar (database versions not stated): gnomAD exomes 0.00001 and 0.00004; ExAC 0.00002; gnomAD 0.00002 and 0.00003; TOPMed 0.00002; 1000 Genomes Project 30x 0.00016; 1000 Genomes Project 0.00020.
gnomAD v4.1: 58 of 1,613,396 alleles (0.0036%); highest among the groups gnomAD compares: Non-Finnish European, 0.0042%; no homozygotes.

Submissions 1 to 6 of 20:

Institute of Human Genetics, University of Leipzig Medical Center
Classification: Likely pathogenic for Dilated cardiomyopathy 1G. Last evaluated: 2026-07-07. Review status: criteria provided, single submitter. Criteria: ACMG Guidelines, 2015. Collection method: clinical testing. Allele origin: paternal. Inheritance: Autosomal recessive inheritance. Affected: yes.
Comment: Criteria applied: PVS1,PS4_SUP

CeGaT Center for Human Genetics Tuebingen
Classification: Likely pathogenic. Last evaluated: 2026-02-01. Review status: criteria provided, single submitter. Criteria: CeGaT Center For Human Genetics Tuebingen Variant Classification Criteria Version 2. Collection method: clinical testing. Allele origin: germline. Affected: yes. Observed: 1 variant allele.
Comment: TTN: PVS1:Strong, PS4:Moderate

Clinical Genomics Laboratory, Washington University in St. Louis
Classification: Likely pathogenic for Dilated cardiomyopathy 1G. Last evaluated: 2026-01-30. Review status: criteria provided, single submitter. Criteria: ACMG Guidelines, 2015. Collection method: clinical testing. Allele origin: germline. Affected: yes.
Comment: The TTN c.107377+1G>A variant has been reported in one individual with end-stage dilated cardiomyopathy (Roberts AM et al., PMID: 25589632). This variant occurs within a canonical splice donor site (exon 361 of 363 total), which is predicted to cause exon skipping, leading to frameshift and nonsense-mediated decay. This variant is observed on 58/1,613,396 total alleles in the general population (gnomAD v4.1.0), indicating it is not a common variant. The affected splice donor site is located in the M-band region of N2B and N2BA isoforms of the Titin protein and is constitutively expressed in TTN transcripts. This variant has been reported in the ClinVar database as a likely pathogenic variant by one submitter and as a pathogenic variant by ten submitters. Based on available information and the ACMG/AMP guidelines for variant interpretation (Richards S et al., PMID: 25741868), this variant is classified as likely pathogenic.

3billion
Classification: Pathogenic for Autosomal recessive limb-girdle muscular dystrophy type 2J. Last evaluated: 2026-01-21. Review status: criteria provided, single submitter. Criteria: ACMG Guidelines, 2015. Collection method: clinical testing. Allele origin: germline. Affected: yes.
Comment: The variant is observed at an extremely low frequency in the gnomAD v4.1.0 dataset (total allele frequency: 0.004%). Predicted Consequence/Location: Canonical splice site: predicted to alter splicing and result in a loss or disruption of normal protein function. Multiple pathogenic loss-of-function variants are reported downstream of the variant. In silico tools predict the variant to alter splicing and produce an abnormal transcript [SpliceAI: 1.00 (spliceogenicity >=0.2, non-spliceogenicity <0.1)]. The variant has been reported at least twice as pathogenic with clinical assertions and evidence for the classification (ClinVar ID: VCV000196723). Therefore, this variant is classified as Pathogenic according to the recommendation of ACMG/AMP guideline.

Dasa
Classification: Pathogenic. Last evaluated: 2025-12-11. Review status: criteria provided, single submitter. Criteria: DASA Assertion Criteria. Collection method: clinical testing. Allele origin: germline.
Comment: NM_001267550.2(TTN):c.107377+1G>A introduces a premature termination codon predicted to result in loss of normal protein function. Loss-of-function is an established mechanism of disease for this gene. Segregation evidence has been reported in affected families. This variant has been observed in affected individuals with related phenotype in a genotype context consistent with recessive disease (PMID: 29435569; PMID: 25214167; PMID: 25589632; PMID: 28716623; PMID: 35081925). This variant has been recurrently observed in individuals with related phenotype (PMID: 29435569; PMID: 25214167; PMID: 25589632; PMID: 28716623; PMID: 35081925). The variant is present at low frequency in population datasets. Based on the available data, this variant is classified as pathogenic.

Labcorp Genetics (formerly Invitae), Labcorp
Classification: Pathogenic for Dilated cardiomyopathy 1G; Autosomal recessive limb-girdle muscular dystrophy type 2J. Last evaluated: 2025-12-08. Review status: criteria provided, single submitter. Criteria: Invitae Variant Classification Sherloc (09022015). Collection method: clinical testing. Allele origin: germline.
Comment: This sequence change affects a donor splice site in intron 361 of the TTN gene. While this is not anticipated to result in nonsense mediated decay, it is expected to create a truncated TTN protein. This variant is present in population databases (rs112188483, gnomAD 0.007%). Disruption of this splice site has been observed in individual(s) with clinical features of autosomal recessive TTN-related neuromuscular conditions or dilated cardiomyopathy (PMID: 25214167, 25589632, 28716623, 29435569, 35081925). In at least one individual the data is consistent with being in trans (on the opposite chromosome) from a pathogenic variant. It has also been observed to segregate with disease in related individuals. ClinVar contains an entry for this variant (Variation ID: 196723). Algorithms developed to predict the effect of sequence changes on RNA splicing suggest that this variant may disrupt the consensus splice site. This variant is located in the M band of TTN (PMID: 25589632). Truncating variants in this region have been previously reported in individuals affected with autosomal dominant or autosomal recessive myopathy and muscular dystrophy (PMID: 18948003, 23975875, 24395473). Truncating variants in this region have also been identified in individuals affected with autosomal dominant dilated cardiomyopathy and/or cardio-related conditions (PMID: 27869827, 32964742, internal data). For these reasons, this variant has been classified as Pathogenic.

NM_001267550.2(TTN):c.107377+1G>A

Genes: TTN (titin; minus strand), TTN-AS1 (TTN antisense RNA 1; plus strand). Cytogenetic location: 2q31.2.
Variant type: single nucleotide variant.
Coding change: c.107377+1G>A on transcript NM_001267550.2 (MANE Select); the canonical splice donor site of the intron after coding-DNA position 107377, G replaced by A.
Molecular consequence: splice donor variant.
Genome position (GRCh38, 1-based): chr2:178,528,273, C>T on the plus strand (G>A on the coding strand, the complement: TTN is on the minus strand). VCF-style: chr2-178528273-C-T. GRCh37 (hg19) VCF-style: chr2-179393000-C-T.
Other names: c.107377+1G>A (LRG_391t1); c.80182+1G>A (NM_003319.4); c.80758+1G>A (NM_133437.4); c.80557+1G>A (NM_133432.3); c.99673+1G>A (NM_133378.4); c.102454+1G>A (NM_001256850.1).
Identifiers: ClinVar variation 196723 (VCV000196723.48), dbSNP rs112188483, ClinGen allele CA243849.